The following is an entry in ClinVar:

NC_000023.10:g.(?_17393881)_(20284750_?)del

Genes: ADGRG2 (adhesion G protein-coupled receptor G2; minus strand), BCLAF3 (BCLAF1 and THRAP3 family member 3; minus strand), BEND2 (BEN domain containing 2; minus strand), CDKL5 (cyclin dependent kinase like 5; plus strand), EIF1AX (eukaryotic translation initiation factor 1A X-linked; minus strand) and 12 more. Cytogenetic location: Xp22.13-22.12.
Variant type: Deletion.
Identifiers: ClinVar variation 3243867 (VCV003243867.1).

ClinVar aggregate classification (germline): Pathogenic. Review status: criteria provided, single submitter (1 of 4 stars). 4 submissions from 1 submitter: Pathogenic (4). Last evaluated 2023-11-27.

Conditions:
Pyruvate dehydrogenase E1-alpha deficiency (PDHAD). Also called: ATAXIA, INTERMITTENT, WITH PYRUVATE DEHYDROGENASE DEFICIENCY; ATAXIA WITH LACTIC ACIDOSIS I; ATAXIA, INTERMITTENT, WITH ABNORMAL PYRUVATE METABOLISM; Ataxia, intermittent, with pyruvate dehydrogenase, or decarboxylase, deficiency. Identifiers: Orphanet 79243, MedGen C1839413, MONDO:0010717, OMIM 312170.
Nance-Horan syndrome (NHS). Identifiers: Orphanet 627, MedGen C0796085, MONDO:0010545, OMIM 302350.
Angelman syndrome-like. Identifiers: MedGen CN128785.
Developmental and epileptic encephalopathy, 2 (DEE2). Also called: INFANTILE SPASM SYNDROME, X-LINKED 2; CDKL5 deficiency disorder. Identifiers: Orphanet 1934, Orphanet 3451, Orphanet 505652, MedGen C4750718, MONDO:0010396, OMIM 300672.
Coffin-Lowry syndrome (CLS). Also called: COFFIN-LOWRY SYNDROME, MILD; Mental retardation with osteocartilaginous abnormalities. Identifiers: Orphanet 192, MedGen C0265252, MONDO:0010561, OMIM 303600.
Intellectual developmental disorder, X-linked 19. Also called: Intellectual disability, X-linked 19. Identifiers: Orphanet 777, MedGen C0796225, MONDO:0010447, OMIM 300844.

Submissions (4):

Labcorp Genetics (formerly Invitae), Labcorp
Classification: Pathogenic for Pyruvate dehydrogenase E1-alpha deficiency. Last evaluated: 2023-11-27. Review status: criteria provided, single submitter. Criteria: Invitae Variant Classification Sherloc (09022015). Collection method: clinical testing. Allele origin: unknown.
Comment: A gross deletion of the genomic region encompassing the full coding sequence of the PDHA1 gene has been identified. Loss-of-function variants in PDHA1 are known to be pathogenic (PMID: 10679936, 21914562). The boundaries of this event are unknown as they extend beyond the assayed region for this gene and therefore may encompass additional genes. Isolated whole-gene deletions of PDHA1 have not been reported in the literature. However, larger copy number events that include this gene have been reported (PMID: 20591708, 21914562, 22473288). For these reasons, this variant has been classified as Pathogenic.

Labcorp Genetics (formerly Invitae), Labcorp
Classification: Pathogenic for Coffin-Lowry syndrome; Intellectual developmental disorder, X-linked 19. Last evaluated: 2023-11-27. Review status: criteria provided, single submitter. Criteria: Invitae Variant Classification Sherloc (09022015). Collection method: clinical testing. Allele origin: unknown.
Comment: A gross deletion of the genomic region encompassing the full coding sequence of the RPS6KA3 gene has been identified. Loss-of-function variants in RPS6KA3 are known to be pathogenic (PMID: 9837815, 19888300). The boundaries of this event are unknown as they extend beyond the assayed region for this gene and therefore may encompass additional genes. This variant has not been reported in the literature in individuals affected with RPS6KA3-related conditions. For these reasons, this variant has been classified as Pathogenic.

Labcorp Genetics (formerly Invitae), Labcorp
Classification: Pathogenic for Nance-Horan syndrome. Last evaluated: 2023-11-27. Review status: criteria provided, single submitter. Criteria: Invitae Variant Classification Sherloc (09022015). Collection method: clinical testing. Allele origin: unknown.
Comment: A gross deletion of the genomic region encompassing the full coding sequence of the NHS gene has been identified. Loss-of-function variants in NHS are known to be pathogenic (PMID: 14564667, 19414485). The boundaries of this event are unknown as they extend beyond the assayed region for this gene and therefore may encompass additional genes. Isolated whole-gene deletions of NHS have not been reported in the literature. However, larger copy number events that include this gene have been reported (PMID: 17256798, 20882036, 31916079). For these reasons, this variant has been classified as Pathogenic.

Labcorp Genetics (formerly Invitae), Labcorp
Classification: Pathogenic for Developmental and epileptic encephalopathy, 2; Angelman syndrome-like. Last evaluated: 2023-11-27. Review status: criteria provided, single submitter. Criteria: Invitae Variant Classification Sherloc (09022015). Collection method: clinical testing. Allele origin: unknown.
Comment: A gross deletion of the genomic region encompassing the full coding sequence of the CDKL5 gene has been identified. Loss-of-function variants in CDKL5 are known to be pathogenic (PMID: 22872100). The boundaries of this event are unknown as they extend beyond the assayed region for this gene and therefore may encompass additional genes. A similar copy number variant has been observed in individual(s) with epileptic encephalopathy and/or intellectual disability (PMID: 19780792, 21770923, 23184456). For these reasons, this variant has been classified as Pathogenic.

Literature cited by the submitters: PubMed 10679936; PubMed 21914562; PubMed 20591708; PubMed 22473288; PubMed 9837815; PubMed 19888300; PubMed 14564667; PubMed 19414485; PubMed 17256798; PubMed 20882036; PubMed 31916079; PubMed 22872100; PubMed 19780792; PubMed 21770923; PubMed 23184456.